The following is an entry in ClinVar:

ClinVar aggregate classification (germline): Uncertain significance. Review status: criteria provided, multiple submitters, no conflicts (2 of 4 stars). 4 submissions from 4 submitters: Uncertain significance (3). 1 of the submissions does not count toward it. Last evaluated 2024-11-13.

Conditions:
Retinal dystrophy. Also called: Inherited retinal dystrophy. Identifiers: Orphanet 71862, MedGen C0854723, MeSH D058499, MONDO:0019118, HP:0000556.

Allele frequency attached by ClinVar (database versions not stated): ESP Exome Variant Server 0.00015; gnomAD 0.00016; gnomAD exomes 0.00018 and 0.00020; TOPMed 0.00019; ExAC 0.00024; 1000 Genomes Project 30x 0.00031; 1000 Genomes Project 0.00040.
gnomAD v4.1: 306 of 1,613,732 alleles (0.019%); highest among the groups gnomAD compares: Middle Eastern, 0.099%; no homozygotes.

Submissions (4):

Blueprint Genetics
Classification: Uncertain significance. Last evaluated: 2024-11-13. Review status: criteria provided, single submitter. Criteria: ACMG Guidelines, 2015. Collection method: clinical testing. Allele origin: germline.

CeGaT Center for Human Genetics Tuebingen
Classification: Uncertain significance. Last evaluated: 2023-07-01. Review status: criteria provided, single submitter. Criteria: CeGaT Center For Human Genetics Tuebingen Variant Classification Criteria Version 2. Collection method: clinical testing. Allele origin: germline. Affected: yes. Observed: 1 variant allele.

Labcorp Genetics (formerly Invitae), Labcorp
Classification: Uncertain significance. Last evaluated: 2022-10-25. Review status: criteria provided, single submitter. Criteria: Invitae Variant Classification Sherloc (09022015). Collection method: clinical testing. Allele origin: germline.
Comment: This sequence change replaces arginine, which is basic and polar, with histidine, which is basic and polar, at codon 489 of the AGBL5 protein (p.Arg489His). This variant is present in population databases (rs202108566, gnomAD 0.04%). This variant has not been reported in the literature in individuals affected with AGBL5-related conditions. ClinVar contains an entry for this variant (Variation ID: 844256). Algorithms developed to predict the effect of missense changes on protein structure and function are either unavailable or do not agree on the potential impact of this missense change (SIFT: "Deleterious"; PolyPhen-2: "Probably Damaging"; Align-GVGD: "Class C0"). In summary, the available evidence is currently insufficient to determine the role of this variant in disease. Therefore, it has been classified as a Variant of Uncertain Significance.

Institute of Human Genetics, Univ. Regensburg, Univ. Regensburg
Classification: Uncertain significance for Retinal dystrophy. Last evaluated: 2020-01-01. Review status: no assertion criteria provided. Criteria: ACMG Guidelines, 2015. Collection method: clinical testing. Allele origin: germline. Affected: yes. Not counted in ClinVar's aggregate classification.

NM_021831.6(AGBL5):c.1466G>A (p.Arg489His)

Gene: AGBL5 (AGBL carboxypeptidase 5; plus strand). Cytogenetic location: 2p23.3.
Variant type: single nucleotide variant.
Coding change: c.1466G>A on transcript NM_021831.6 (MANE Select); coding-DNA position 1466, G replaced by A.
Protein change: p.Arg489His; replaces arginine 489 with histidine.
Molecular consequence: missense variant. On other transcripts: non-coding transcript variant (2).
Genome position (GRCh38, 1-based): chr2:27,056,723, G>A. VCF-style: chr2-27056723-G-A. GRCh37 (hg19) VCF-style: chr2-27279591-G-A.
Other names: c.1466G>A, p.Arg489His (NM_001035507.3); short protein forms R489H.
Identifiers: ClinVar variation 844256 (VCV000844256.29), dbSNP rs202108566, ClinGen allele CA1567879.